The following is an entry in ClinVar:

ClinVar aggregate classification (germline): Uncertain significance. Review status: criteria provided, multiple submitters, no conflicts (2 of 4 stars). 4 submissions from 4 submitters: Uncertain significance (4). Last evaluated 2025-07-01.

Conditions:
Cardiovascular phenotype. Identifiers: MedGen CN230736.

Allele frequency attached by ClinVar (database versions not stated): TOPMed below 0.00001; ExAC 0.00001; gnomAD 0.00001; gnomAD exomes 0.00001.
gnomAD v4.1: 9 of 1,611,944 alleles (0.00056%); highest among the groups gnomAD compares: South Asian, 0.0044%; no homozygotes.

Submissions (4):

CeGaT Center for Human Genetics Tuebingen
Classification: Uncertain significance. Last evaluated: 2025-07-01. Review status: criteria provided, single submitter. Criteria: CeGaT Center For Human Genetics Tuebingen Variant Classification Criteria Version 2. Collection method: clinical testing. Allele origin: germline. Affected: yes. Observed: 1 variant allele.

Ambry Genetics
Classification: Uncertain significance for Cardiovascular phenotype. Last evaluated: 2025-06-10. Review status: criteria provided, single submitter. Criteria: Ambry Variant Classification Scheme 2023. Collection method: clinical testing. Allele origin: germline.

GeneDx
Classification: Uncertain significance. Last evaluated: 2023-09-01. Review status: criteria provided, single submitter. Criteria: GeneDx Variant Classification Process June 2021. Collection method: clinical testing. Allele origin: germline. Affected: yes.
Comment: Not observed at significant frequency in large population cohorts (gnomAD); In silico analysis supports that this missense variant has a deleterious effect on protein structure/function; Has not been previously published as pathogenic or benign to our knowledge

Labcorp Genetics (formerly Invitae), Labcorp
Classification: Uncertain significance. Last evaluated: 2023-07-03. Review status: criteria provided, single submitter. Criteria: Invitae Variant Classification Sherloc (09022015). Collection method: clinical testing. Allele origin: germline.
Comment: This sequence change replaces tyrosine, which is neutral and polar, with histidine, which is basic and polar, at codon 257 of the LOX protein (p.Tyr257His). This variant is present in population databases (rs768853538, gnomAD 0.003%). This variant has not been reported in the literature in individuals affected with LOX-related conditions. ClinVar contains an entry for this variant (Variation ID: 1517637). Advanced modeling of protein sequence and biophysical properties (such as structural, functional, and spatial information, amino acid conservation, physicochemical variation, residue mobility, and thermodynamic stability) performed at Invitae indicates that this missense variant is not expected to disrupt LOX protein function. In summary, the available evidence is currently insufficient to determine the role of this variant in disease. Therefore, it has been classified as a Variant of Uncertain Significance.

NM_002317.7(LOX):c.769T>C (p.Tyr257His)

Genes: SRFBP1 (serum response factor binding protein 1; plus strand), LOX (lysyl oxidase; minus strand). Cytogenetic location: 5q23.1.
Variant type: single nucleotide variant.
Coding change: c.769T>C on transcript NM_002317.7 (MANE Select); coding-DNA position 769, T replaced by C.
Protein change: p.Tyr257His; replaces tyrosine 257 with histidine.
Molecular consequence: missense variant. On other transcripts: 5 prime UTR variant (1).
Genome position (GRCh38, 1-based): chr5:122,075,513, A>G on the plus strand (T>C on the coding strand, the complement: LOX is on the minus strand). VCF-style: chr5-122075513-A-G. GRCh37 (hg19) VCF-style: chr5-121411208-A-G.
Other names: c.79T>C, p.Tyr27His (NM_001178102.2); c.-123T>C (NM_001317073.1); c.769T>C (NM_002317.6); short protein forms Y257H, Y27H.
Identifiers: ClinVar variation 1517637 (VCV001517637.17), dbSNP rs768853538, ClinGen allele CA3383936.